The following is an entry in ClinVar:

NM_003172.4(SURF1):c.106+6G>A

Gene: SURF1 (SURF1 cytochrome c oxidase assembly factor; minus strand). Cytogenetic location: 9q34.2.
Variant type: single nucleotide variant.
Coding change: c.106+6G>A on transcript NM_003172.4 (MANE Select); 6 bases into the intron after coding-DNA position 106, G replaced by A.
Molecular consequence: intron variant.
Genome position (GRCh38, 1-based): chr9:133,356,263, C>T on the plus strand (G>A on the coding strand, the complement: SURF1 is on the minus strand). VCF-style: chr9-133356263-C-T. GRCh37 (hg19) VCF-style: chr9-136223118-C-T.
Other names: c.-222+137G>A (NM_001280787.1).
Identifiers: ClinVar variation 2061452 (VCV002061452.2), dbSNP rs369918846, ClinGen allele CA200834040.

ClinVar aggregate classification (germline): Uncertain significance. Review status: criteria provided, multiple submitters, no conflicts (2 of 4 stars). 2 submissions from 2 submitters: Uncertain significance (2). Last evaluated 2024-08-27.

Conditions:
Leigh syndrome (NULS). Also called: Subacute necrotizing encephalopathy; Necrotizing encephalopathy infantile subacute of Leigh; Leigh's necrotizing encephalopathy; Leigh's disease; Leigh Syndrome (mtDNA deletion); Leigh's syndrome. Identifiers: Orphanet 506, MedGen C2931891, MONDO:0009723, OMIM 256000.

Allele frequency attached by ClinVar (database versions not stated): gnomAD exomes 0.00001; TOPMed 0.00001; gnomAD 0.00003.

Submissions (2):

Women's Health and Genetics/Laboratory Corporation of America, LabCorp
Classification: Uncertain significance. Last evaluated: 2024-08-27. Review status: criteria provided, single submitter. Criteria: LabCorp Variant Classification Summary - May 2015. Collection method: clinical testing. Allele origin: germline.

Labcorp Genetics (formerly Invitae), Labcorp
Classification: Uncertain significance for Leigh syndrome. Last evaluated: 2022-06-19. Review status: criteria provided, single submitter. Criteria: Invitae Variant Classification Sherloc (09022015). Collection method: clinical testing. Allele origin: germline.
Comment: This sequence change falls in intron 2 of the SURF1 gene. It does not directly change the encoded amino acid sequence of the SURF1 protein. It affects a nucleotide within the consensus splice site. This variant is present in population databases (rs369918846, gnomAD 0.07%). This variant has not been reported in the literature in individuals affected with SURF1-related conditions. Variants that disrupt the consensus splice site are a relatively common cause of aberrant splicing (PMID: 17576681, 9536098). Algorithms developed to predict the effect of sequence changes on RNA splicing suggest that this variant is not likely to affect RNA splicing. In summary, the available evidence is currently insufficient to determine the role of this variant in disease. Therefore, it has been classified as a Variant of Uncertain Significance.

Literature cited by the submitters: PubMed 17576681 (cited by Labcorp Genetics (formerly Invitae), Labcorp); PubMed 9536098 (cited by Labcorp Genetics (formerly Invitae), Labcorp).